The following is an entry in ClinVar:

ClinVar aggregate classification (germline): Uncertain significance. Review status: criteria provided, multiple submitters, no conflicts (2 of 4 stars). 3 submissions from 3 submitters: Uncertain significance (2). 1 of the submissions does not count toward it. Last evaluated 2021-11-24.

Conditions:
Focal segmental glomerulosclerosis (FSGS). Also called: Glomerulosclerosis, focal; Focal sclerosis with hyalinosis. Identifiers: MedGen C0017668, MONDO:0100313, HP:0000097. Disease mechanism: loss of function.
Myasthenic syndrome, congenital, 24, presynaptic. Identifiers: MedGen C4748684, MONDO:0032597, OMIM 618198.

Allele frequency attached by ClinVar (database versions not stated): gnomAD 0.00015 and 0.00017; 1000 Genomes Project 30x 0.00016; TOPMed 0.00018; 1000 Genomes Project 0.00020; ESP Exome Variant Server 0.00023; gnomAD exomes 0.00004 and 0.00008; ExAC 0.00008.
gnomAD v4.1: 94 of 1,613,958 alleles (0.0058%); highest among the groups gnomAD compares: African/African-American, 0.051%; no homozygotes.

Submissions (3):

Revvity Omics, Revvity
Classification: Uncertain significance for Myasthenic syndrome, congenital, 24, presynaptic. Last evaluated: 2021-11-24. Review status: criteria provided, single submitter. Criteria: ACMG Guidelines, 2015. Collection method: clinical testing. Allele origin: germline.

Baylor Genetics
Classification: Uncertain significance for Myasthenic syndrome, congenital, 24, presynaptic. Last evaluated: 2020-02-07. Review status: criteria provided, single submitter. Criteria: ACMG Guidelines, 2015. Collection method: clinical testing. Allele origin: unknown. Affected: yes.
Comment: This variant was determined to be of uncertain significance according to ACMG Guidelines, 2015 [PMID:25741868].

Yale Center for Mendelian Genomics, Yale University
Classification: Uncertain significance for Focal segmental glomerulosclerosis. Last evaluated: 2021-01-04. Review status: no assertion criteria provided. Collection method: literature only. Allele origin: germline. Affected: yes. Observed: 1 heterozygote. Study: Yale Center for Mendelian Genomics. Not counted in ClinVar's aggregate classification.

Literature cited by the submitters: PubMed 33412162 (cited by Yale Center for Mendelian Genomics, Yale University).

NM_006901.4(MYO9A):c.5110C>T (p.Pro1704Ser)

Gene: MYO9A (myosin IXA; minus strand). Cytogenetic location: 15q23.
Variant type: single nucleotide variant.
Coding change: c.5110C>T on transcript NM_006901.4 (MANE Select); coding-DNA position 5110, C replaced by T.
Protein change: p.Pro1704Ser; replaces proline 1704 with serine.
Molecular consequence: missense variant.
Genome position (GRCh38, 1-based): chr15:71,893,711, G>A on the plus strand (C>T on the coding strand, the complement: MYO9A is on the minus strand). VCF-style: chr15-71893711-G-A. GRCh37 (hg19) VCF-style: chr15-72186052-G-A.
Other names: short protein forms P1704S.
Identifiers: ClinVar variation 1031102 (VCV001031102.5), dbSNP rs141313736, ClinGen allele CA7641256.
Genomic context (GRCh38, chr15:71,893,711, plus strand): 5'-GATAGATAAACAAAAACTCAAAACTTACCTCTCTTTGGCCTGGCCCAGCTAACTTCACAG[G>A]TTTCCATGCTGGTTCATCTTCTTTATGGAGTTGAGGATTTTTACTGTTTAAGGCTTCTTT-3'
Protein context (NP_008832.2, residues 1694-1714): LHKEDEPAWK[Pro1704Ser]VKLAGPGQRE